The following is an entry in ClinVar:

NM_000372.5(TYR):c.716G>A (p.Arg239Gln)

Gene: TYR (tyrosinase; plus strand). Cytogenetic location: 11q14.3.
Variant type: single nucleotide variant.
Coding change: c.716G>A on transcript NM_000372.5 (MANE Select); coding-DNA position 716, G replaced by A.
Protein change: p.Arg239Gln; replaces arginine 239 with glutamine.
Molecular consequence: missense variant.
Genome position (GRCh38, 1-based): chr11:89,178,669, G>A. VCF-style: chr11-89178669-G-A. GRCh37 (hg19) VCF-style: chr11-88911837-G-A.
Other names: short protein forms R239Q.
Identifiers: ClinVar variation 4709874 (VCV004709874.1).

ClinVar aggregate classification (germline): Likely pathogenic (1 of 4 stars; one submission).

gnomAD v4.1: 56 of 1,613,502 alleles (0.0035%); highest among the groups gnomAD compares: East Asian, 0.013%; no homozygotes.

Submission:

Labcorp Genetics (formerly Invitae), Labcorp
Classification: Likely pathogenic. Last evaluated: 2025-04-22. Review status: criteria provided, single submitter. Criteria: Invitae Variant Classification Sherloc (09022015). Collection method: clinical testing. Allele origin: germline.
Comment: This sequence change replaces arginine, which is basic and polar, with glutamine, which is neutral and polar, at codon 239 of the TYR protein (p.Arg239Gln). This variant is present in population databases (rs36006590, gnomAD 0.007%). This variant has not been reported in the literature in individuals affected with TYR-related conditions. Invitae Evidence Modeling of protein sequence and biophysical properties (such as structural, functional, and spatial information, amino acid conservation, physicochemical variation, residue mobility, and thermodynamic stability) indicates that this missense variant is expected to disrupt TYR protein function with a positive predictive value of 95%. Experimental studies have shown that this missense change affects TYR function (PMID: 27537549). This variant disrupts the p.Arg239 amino acid residue in TYR. Other variant(s) that disrupt this residue have been determined to be pathogenic (PMID: 11858948, 30996339, 31077556). This suggests that this residue is clinically significant, and that variants that disrupt this residue are likely to be disease-causing. In summary, the currently available evidence indicates that the variant is pathogenic, but additional data are needed to prove that conclusively. Therefore, this variant has been classified as Likely Pathogenic.

Literature cited by the submitters: PubMed 27537549; PubMed 11858948; PubMed 30996339; PubMed 31077556.